The following is an entry in ClinVar:

NM_001079802.2(FKTN):c.-191del

Genes: FKTN (fukutin; plus strand), FKTN-AS1 (FKTN antisense RNA 1; minus strand). Cytogenetic location: 9q31.2.
Variant type: Deletion.
Coding change: c.-191del on transcript NM_001079802.2 (MANE Select); 191 bases upstream of the start codon, one base deleted (T; older notation c.-191delT).
Molecular consequence: 5 prime UTR variant. On other transcripts: non-coding transcript variant (2).
Genome position (GRCh38, 1-based): chr9:105,558,155, T deleted. VCF-style (leftmost placement, unchanged base first): chr9-105558154-CT-C. GRCh37 (hg19) VCF-style: chr9-108320435-CT-C.
Other names: c.-99delT (NM_006731.2); c.-191del (NM_001198963.2); c.-326del (NM_001351496.2); c.-493del (NM_001351497.2); c.-99del (NM_001351498.2, NM_006731.2); c.-840del (NM_001351499.2); c.-705del (NM_001351500.2); c.-613del (NM_001351501.2); and 2 more.
Identifiers: ClinVar variation 162565 (VCV000162565.1), dbSNP rs138776494, ClinGen allele CA295349.

ClinVar aggregate classification (germline): Benign (1 of 4 stars; one submission).

Allele frequency attached by ClinVar (database versions not stated): 1000 Genomes Project 30x 0.00874; 1000 Genomes Project 0.00899; gnomAD 0.00917 and 0.00996; TOPMed 0.01037.

Submission:

GeneDx
Classification: Benign. Last evaluated: 2015-05-08. Review status: criteria provided, single submitter. Criteria: GeneDx Variant Classification (06012015). Collection method: clinical testing. Allele origin: germline. Affected: yes.
Comment: This variant is considered likely benign or benign based on one or more of the following criteria: it is a conservative change, it occurs at a poorly conserved position in the protein, it is predicted to be benign by multiple in silico algorithms, and/or has population frequency not consistent with disease.